The following is an entry in ClinVar:

NM_002473.6(MYH9):c.117T>G (p.Ser39Arg)

Gene: MYH9 (myosin heavy chain 9; minus strand). Cytogenetic location: 22q12.3.
Variant type: single nucleotide variant.
Coding change: c.117T>G on transcript NM_002473.6 (MANE Select); coding-DNA position 117, T replaced by G.
Protein change: p.Ser39Arg; replaces serine 39 with arginine.
Molecular consequence: missense variant.
Genome position (GRCh38, 1-based): chr22:36,349,120, A>C on the plus strand (T>G on the coding strand, the complement: MYH9 is on the minus strand). VCF-style: chr22-36349120-A-C. GRCh37 (hg19) VCF-style: chr22-36745165-A-C.
Other names: short protein forms S39R.
Identifiers: ClinVar variation 2124082 (VCV002124082.5), dbSNP rs1189741384, ClinGen allele CA411549504.
Genomic context (GRCh38, chr22:36,349,120, plus strand): 5'-CACCAGCTCCACGATGGCCTCTTCGCCCACCTCCTCCTTGAGGCTGGCTGGCTCAAAGCC[A>C]CTCTTGTCGGAAGGCACCCATACCAGCTTCTTGGCAGCCCAGTCGGCCTGGGCCAGCGGA-3'
Protein context (NP_002464.1, residues 29-49): KKLVWVPSDK[Ser39Arg]GFEPASLKEE

ClinVar aggregate classification (germline): Conflicting classifications of pathogenicity. Review status: criteria provided, conflicting classifications (1 of 4 stars). 2 submissions from 2 submitters: Uncertain significance (1); Likely benign (1). Last evaluated 2025-06-14.

Allele frequency attached by ClinVar (database versions not stated): TOPMed below 0.00001; gnomAD 0.00001; gnomAD exomes below 0.00001.
gnomAD v4.1: 3 of 1,613,804 alleles (0.00019%); highest among the groups gnomAD compares: Non-Finnish European, 0.00025%; no homozygotes.

Submissions (2):

Labcorp Genetics (formerly Invitae), Labcorp
Classification: Likely benign. Last evaluated: 2025-06-14. Review status: criteria provided, single submitter. Criteria: Invitae Variant Classification Sherloc (09022015). Collection method: clinical testing. Allele origin: germline.

Women's Health and Genetics/Laboratory Corporation of America, LabCorp
Classification: Uncertain significance. Last evaluated: 2024-04-16. Review status: criteria provided, single submitter. Criteria: LabCorp Variant Classification Summary - May 2015. Collection method: clinical testing. Allele origin: germline.
Comment: Variant summary: MYH9 c.117T>G (p.Ser39Arg) results in a non-conservative amino acid change located in the Myosin, N-terminal, SH3-like (IPR004009) of the encoded protein sequence. Three of five in-silico tools predict a benign effect of the variant on protein function. The variant allele was found at a frequency of 4e-06 in 251204 control chromosomes. The available data on variant occurrences in the general population are insufficient to allow any conclusion about variant significance. To our knowledge, no occurrence of c.117T>G in individuals affected with Macrothrombocytopenia And Granulocyte Inclusions With Or Without Nephritis Or Sensorineural Hearing Loss and no experimental evidence demonstrating its impact on protein function have been reported. ClinVar contains an entry for this variant (Variation ID: 2124082). Based on the evidence outlined above, the variant was classified as uncertain significance.